The following is an entry in ClinVar:

ClinVar aggregate classification (germline): Uncertain significance (1 of 4 stars; one submission).

Conditions:
Tuberous sclerosis 1 (TSC1). Identifiers: Orphanet 805, MedGen C1854465, MONDO:0008612, OMIM 191100.

Submission:

Labcorp Genetics (formerly Invitae), Labcorp
Classification: Uncertain significance for Tuberous sclerosis 1. Last evaluated: 2021-02-15. Review status: criteria provided, single submitter. Criteria: Invitae Variant Classification Sherloc (09022015). Collection method: clinical testing. Allele origin: germline.
Comment: This variant is not present in population databases (ExAC no frequency). This sequence change replaces threonine with isoleucine at codon 1159 of the TSC1 protein (p.Thr1159Ile). The threonine residue is moderately conserved and there is a moderate physicochemical difference between threonine and isoleucine. In summary, the available evidence is currently insufficient to determine the role of this variant in disease. Therefore, it has been classified as a Variant of Uncertain Significance. Algorithms developed to predict the effect of missense changes on protein structure and function are either unavailable or do not agree on the potential impact of this missense change (SIFT: "Deleterious"; PolyPhen-2: "Benign"; Align-GVGD: "Class C0"). This variant has not been reported in the literature in individuals with TSC1-related conditions.

NM_000368.5(TSC1):c.3476C>T (p.Thr1159Ile)

Gene: TSC1 (TSC complex subunit 1; minus strand). Cytogenetic location: 9q34.13.
Variant type: single nucleotide variant.
Coding change: c.3476C>T on transcript NM_000368.5 (MANE Select); coding-DNA position 3476, C replaced by T.
Protein change: p.Thr1159Ile; replaces threonine 1159 with isoleucine.
Molecular consequence: missense variant.
Genome position (GRCh38, 1-based): chr9:132,896,254, G>A on the plus strand (C>T on the coding strand, the complement: TSC1 is on the minus strand). VCF-style: chr9-132896254-G-A. GRCh37 (hg19) VCF-style: chr9-135771641-G-A.
Other names: c.3473C>T, p.Thr1158Ile (NM_001162426.2); c.3323C>T, p.Thr1108Ile (NM_001162427.2); c.3113C>T, p.Thr1038Ile (NM_001362177.2); short protein forms T1158I, T1159I, T1108I, T1038I.
Identifiers: ClinVar variation 1468562 (VCV001468562.8), dbSNP rs2131585551, ClinGen allele CA375366286.